The following is an entry in ClinVar:

ClinVar aggregate classification (germline): Likely pathogenic (1 of 4 stars; one submission).

Conditions:
Inborn genetic diseases. Identifiers: MedGen C0950123, MeSH D030342.

gnomAD v4.1: 1 of 1,613,980 alleles (0.000062%); highest among the groups gnomAD compares: South Asian, 0.0011%; no homozygotes.

Submission:

Ambry Genetics
Classification: Likely pathogenic for Inborn genetic diseases. Last evaluated: 2024-11-22. Review status: criteria provided, single submitter. Criteria: Ambry Variant Classification Scheme 2023. Collection method: clinical testing. Allele origin: germline.
Comment: The c.1847C>T (p.P616L) alteration is located in exon 14 (coding exon 13) of the RAD21 gene. This alteration results from a C to T substitution at nucleotide position 1847, causing the proline (P) at amino acid position 616 to be replaced by a leucine (L). This variant was not reported in population-based cohorts in the Genome Aggregation Database (gnomAD). This amino acid position is highly conserved in available vertebrate species. This alteration is predicted to be deleterious by in silico analysis. Based on the available evidence, this alteration is classified as likely pathogenic.

NM_006265.3(RAD21):c.1847C>T (p.Pro616Leu)

Gene: RAD21 (RAD21 cohesin complex component; minus strand). Cytogenetic location: 8q24.11.
Variant type: single nucleotide variant.
Coding change: c.1847C>T on transcript NM_006265.3 (MANE Select); coding-DNA position 1847, C replaced by T.
Protein change: p.Pro616Leu; replaces proline 616 with leucine.
Molecular consequence: missense variant.
Genome position (GRCh38, 1-based): chr8:116,847,549, G>A on the plus strand (C>T on the coding strand, the complement: RAD21 is on the minus strand). VCF-style: chr8-116847549-G-A. GRCh37 (hg19) VCF-style: chr8-117859788-G-A.
Other names: short protein forms P616L.
Identifiers: ClinVar variation 3429437 (VCV003429437.1).
Genomic context (GRCh38, chr8:116,847,549, plus strand): 5'-CTTCTAGCTCCTTATATAATATGGAACCTTGGTCCAGGTGTTGCGATGATGTCACTGTAC[G>A]GTTCTTCCTGTGTCAGCTCAATAGCTTGCTGCTTTTTAAGAACCAAGAAGCTGTAGAACT-3'
Protein context (NP_006256.1, residues 606-626): QQAIELTQEE[Pro616Leu]YSDIIATPGP